The following is an entry in ClinVar:

ClinVar aggregate classification (germline): Uncertain significance (1 of 4 stars; one submission).

Allele frequency attached by ClinVar (database versions not stated): gnomAD exomes below 0.00001; ExAC 0.00001; gnomAD 0.00002; TOPMed 0.00002.
gnomAD v4.1: 3 of 1,210,008 alleles (0.00025%); highest among the groups gnomAD compares: African/African-American, 0.0052%; no homozygotes.

Submission:

GeneDx
Classification: Uncertain significance. Last evaluated: 2022-03-04. Review status: criteria provided, single submitter. Criteria: GeneDx Variant Classification Process June 2021. Collection method: clinical testing. Allele origin: germline. Affected: yes.
Comment: In silico analysis supports that this missense variant does not alter protein structure/function; Has not been previously published as pathogenic or benign to our knowledge

NM_031407.7(HUWE1):c.8023G>T (p.Val2675Phe)

Gene: HUWE1 (HECT, UBA and WWE domain containing E3 ubiquitin protein ligase 1; minus strand). Cytogenetic location: Xp11.22.
Variant type: single nucleotide variant.
Coding change: c.8023G>T on transcript NM_031407.7 (MANE Select); coding-DNA position 8023, G replaced by T.
Protein change: p.Val2675Phe; replaces valine 2675 with phenylalanine.
Molecular consequence: missense variant.
Genome position (GRCh38, 1-based): chrX:53,558,792, C>A on the plus strand (G>T on the coding strand, the complement: HUWE1 is on the minus strand). VCF-style: chrX-53558792-C-A. GRCh37 (hg19) VCF-style: chrX-53585753-C-A.
Other names: short protein forms V2675F.
Identifiers: ClinVar variation 1703919 (VCV001703919.2), dbSNP rs782079675, ClinGen allele CA10421878.
Genomic context (GRCh38, chrX:53,558,792, plus strand): 5'-TCCTGCGCTTCTCTCGCCTTTCTTCCAGCTCCTCATCCCTCAGGAATTCCAGGTGATTGA[C>A]AATGGACACTTTAACCACTGTTTCAAAGAGGCAAAAATCAAAGGCTGCTCTGGTGGGGTC-3'
Protein context (NP_113584.3, residues 2665-2685): DCVSVVKVSI[Val2675Phe]NHLEFLRDEE